The following is an entry in ClinVar:

ClinVar aggregate classification (germline): Uncertain significance (1 of 4 stars; one submission).

gnomAD v4.1: 77 of 1,613,726 alleles (0.0048%); highest among the groups gnomAD compares: Non-Finnish European, 0.0058%; no homozygotes.

Submission:

Labcorp Genetics (formerly Invitae), Labcorp
Classification: Uncertain significance. Last evaluated: 2026-01-28. Review status: criteria provided, single submitter. Criteria: Invitae Variant Classification Sherloc (09022015). Collection method: clinical testing. Allele origin: germline.
Comment: This sequence change replaces aspartic acid, which is acidic and polar, with asparagine, which is neutral and polar, at codon 1230 of the MYH3 protein (p.Asp1230Asn). This variant is present in population databases (rs757191850, gnomAD 0.007%). This variant has not been reported in the literature in individuals affected with MYH3-related conditions. ClinVar contains an entry for this variant (Variation ID: 3693695). Invitae Evidence Modeling of protein sequence and biophysical properties (such as structural, functional, and spatial information, amino acid conservation, physicochemical variation, residue mobility, and thermodynamic stability) indicates that this missense variant is not expected to disrupt MYH3 protein function with a negative predictive value of 95%. In summary, the available evidence is currently insufficient to determine the role of this variant in disease. Therefore, it has been classified as a Variant of Uncertain Significance.

NM_002470.4(MYH3):c.3688G>A (p.Asp1230Asn)

Gene: MYH3 (myosin heavy chain 3; minus strand). Cytogenetic location: 17p13.1.
Variant type: single nucleotide variant.
Coding change: c.3688G>A on transcript NM_002470.4 (MANE Select); coding-DNA position 3688, G replaced by A.
Protein change: p.Asp1230Asn; replaces aspartic acid 1230 with asparagine.
Molecular consequence: missense variant.
Genome position (GRCh38, 1-based): chr17:10,638,084, C>T on the plus strand (G>A on the coding strand, the complement: MYH3 is on the minus strand). VCF-style: chr17-10638084-C-T. GRCh37 (hg19) VCF-style: chr17-10541401-C-T.
Other names: short protein forms D1230N.
Identifiers: ClinVar variation 3693695 (VCV003693695.2).
Genomic context (GRCh38, chr17:10,638,084, plus strand): 5'-CCCCCACCCCGCGCAGCACCTTAGATTTCGACACACTCTCCATGCTGCTGGAGAGGTCAT[C>T]GATCTCCAGCTTGAACTCGCTCTTCTCCTTCTCCAGCTTCTGCTTGACCCGCTGCAGGTT-3'
Protein context (NP_002461.2, residues 1220-1240): KEKSEFKLEI[Asp1230Asn]DLSSSMESVS